The following is an entry in ClinVar:

NM_000352.6(ABCC8):c.2583C>G (p.Ile861Met)

Gene: ABCC8 (ATP binding cassette subfamily C member 8; minus strand). Cytogenetic location: 11p15.1.
Variant type: single nucleotide variant.
Coding change: c.2583C>G on transcript NM_000352.6 (MANE Select); coding-DNA position 2583, C replaced by G.
Protein change: p.Ile861Met; replaces isoleucine 861 with methionine.
Molecular consequence: missense variant. On other transcripts: non-coding transcript variant (1).
Genome position (GRCh38, 1-based): chr11:17,410,627, G>C on the plus strand (C>G on the coding strand, the complement: ABCC8 is on the minus strand). VCF-style: chr11-17410627-G-C. GRCh37 (hg19) VCF-style: chr11-17432174-G-C.
Other names: c.2583C>G (NM_000352.4); c.2586C>G, p.Ile862Met (NM_001287174.3); c.2649C>G, p.Ile883Met (NM_001351295.2); c.2583C>G, p.Ile861Met (NM_001351296.2); c.2580C>G, p.Ile860Met (NM_001351297.2); short protein forms I861M, I862M, I860M, I883M.
Identifiers: ClinVar variation 2137421 (VCV002137421.3), dbSNP rs1292246246, ClinGen allele CA379806609.

ClinVar aggregate classification (germline): Uncertain significance (1 of 4 stars; one submission).

Conditions:
Familial hyperinsulinism. Also called: Congenital hyperinsulinism. Identifiers: Orphanet 276525, MedGen C3888018, MONDO:0017182. Disease mechanism: loss of function.
Permanent neonatal diabetes mellitus (PNDM). Identifiers: Orphanet 99885, MedGen C1833104, MONDO:0100164, MONDO:0011643. Disease mechanism: gain of function.

Allele frequency attached by ClinVar (database versions not stated): gnomAD 0.00001; gnomAD exomes 0.00001; TOPMed 0.00001.
gnomAD v4.1: 17 of 1,613,966 alleles (0.0011%); highest among the groups gnomAD compares: Admixed American, 0.022%; no homozygotes.

Submission:

Labcorp Genetics (formerly Invitae), Labcorp
Classification: Uncertain significance. Last evaluated: 2024-07-30. Review status: criteria provided, single submitter. Criteria: Invitae Variant Classification Sherloc (09022015). Collection method: clinical testing. Allele origin: germline.
Comment: This sequence change replaces isoleucine, which is neutral and non-polar, with methionine, which is neutral and non-polar, at codon 861 of the ABCC8 protein (p.Ile861Met). This variant is present in population databases (no rsID available, gnomAD 0.006%). This variant has not been reported in the literature in individuals affected with ABCC8-related conditions. ClinVar contains an entry for this variant (Variation ID: 2137421). Advanced modeling of protein sequence and biophysical properties (such as structural, functional, and spatial information, amino acid conservation, physicochemical variation, residue mobility, and thermodynamic stability) performed at Invitae indicates that this missense variant is not expected to disrupt ABCC8 protein function with a negative predictive value of 95%. In summary, the available evidence is currently insufficient to determine the role of this variant in disease. Therefore, it has been classified as a Variant of Uncertain Significance.